The following is an entry in ClinVar:

ClinVar aggregate classification (germline): Benign/Likely benign. Review status: criteria provided, multiple submitters, no conflicts (2 of 4 stars). 3 submissions from 3 submitters: Benign (1); Likely benign (2). Last evaluated 2024-05-14.

Conditions:
Familial cancer of breast. Also called: BREAST CANCER, FAMILIAL; hereditary breast carcinoma; Hereditary breast cancer. Identifiers: Orphanet 227535, MedGen C0346153, MONDO:0016419, OMIM 114480. Disease mechanism: loss of function.
Hereditary cancer-predisposing syndrome. Also called: Tumor predisposition; Hereditary Cancer Syndrome; Neoplastic Syndromes, Hereditary; Hereditary neoplastic syndrome. Identifiers: Orphanet 140162, MedGen C0027672, MeSH D009386, MONDO:0015356.
Ataxia-telangiectasia syndrome (AT). Also called: Ataxia-telangiectasia; AT, COMPLEMENTATION GROUP C; LOUIS-BAR SYNDROME; Ataxia telangiectasia (A-T); Cerebello-oculocutaneous telangiectasia; Immunodeficiency with ataxia telangiectasia. Identifiers: Orphanet 100, MedGen C0004135, MONDO:0008840, OMIM 208900.

Submissions (3):

Myriad Genetics, Inc.
Classification: Benign for Familial cancer of breast. Last evaluated: 2024-05-14. Review status: criteria provided, single submitter. Criteria: Myriad Autosomal Dominant, Autosomal Recessive and X-Linked Classification Criteria (2023). Collection method: clinical testing. Allele origin: unknown.
Comment: This variant is considered benign. This variant is a silent/synonymous amino acid change and it is not expected to impact splicing.

Labcorp Genetics (formerly Invitae), Labcorp
Classification: Likely benign for Ataxia-telangiectasia syndrome. Last evaluated: 2023-05-07. Review status: criteria provided, single submitter. Criteria: Invitae Variant Classification Sherloc (09022015). Collection method: clinical testing. Allele origin: germline.

Ambry Genetics
Classification: Likely benign for Hereditary cancer-predisposing syndrome. Last evaluated: 2022-01-02. Review status: criteria provided, single submitter. Criteria: Ambry Variant Classification Scheme 2023. Collection method: clinical testing. Allele origin: germline.

NM_000051.4(ATM):c.3339G>A (p.Leu1113=)

Gene: ATM (ATM serine/threonine kinase; plus strand). Cytogenetic location: 11q22.3.
Variant type: single nucleotide variant.
Coding change: c.3339G>A on transcript NM_000051.4 (MANE Select); coding-DNA position 3339, G replaced by A.
Protein change: p.Leu1113=; no amino-acid change (leucine 1113 retained).
Molecular consequence: synonymous variant.
Genome position (GRCh38, 1-based): chr11:108,279,545, G>A. VCF-style: chr11-108279545-G-A. GRCh37 (hg19) VCF-style: chr11-108150272-G-A.
Other names: c.3339G>A, p.Leu1113= (NM_001351834.2).
Identifiers: ClinVar variation 755431 (VCV000755431.12), dbSNP rs1591632173, ClinGen allele CA476672702.